The following is an entry in ClinVar:

ClinVar aggregate classification (germline): Uncertain significance (1 of 4 stars; one submission).

Submission:

Labcorp Genetics (formerly Invitae), Labcorp
Classification: Uncertain significance. Last evaluated: 2023-11-22. Review status: criteria provided, single submitter. Criteria: Invitae Variant Classification Sherloc (09022015). Collection method: clinical testing. Allele origin: unknown.
Comment: This variant results in the deletion of exons 2-3 and part of exon 1 (c.23_*26565del) of the TNFRSF6B gene. While this deletion is not anticipated to lead to nonsense mediated decay, it is expected to alter mRNA translation or result in a truncated protein product. This variant has not been reported in the literature in individuals affected with TNFRSF6B-related conditions. In summary, the available evidence is currently insufficient to determine the role of this variant in disease. Therefore, it has been classified as a Variant of Uncertain Significance.

NC_000020.10:g.(?_62328143)_(62356481_?)del

Genes: ARFRP1 (ARF related protein 1; minus strand), TNFRSF6B (TNF receptor superfamily member 6b; plus strand), ZGPAT (zinc finger CCCH-type and G-patch domain containing; plus strand). Cytogenetic location: 20q13.33.
Variant type: Deletion.
Identifiers: ClinVar variation 3248336 (VCV003248336.1).